The following is an entry in ClinVar:

NM_005228.5(EGFR):c.3114G>A (p.Leu1038=)

Gene: EGFR (epidermal growth factor receptor; plus strand). Cytogenetic location: 7p11.2.
Variant type: single nucleotide variant.
Coding change: c.3114G>A on transcript NM_005228.5 (MANE Select); coding-DNA position 3114, G replaced by A.
Protein change: p.Leu1038=; no amino-acid change (leucine 1038 retained).
Molecular consequence: synonymous variant.
Genome position (GRCh38, 1-based): chr7:55,201,355, G>A. VCF-style: chr7-55201355-G-A. GRCh37 (hg19) VCF-style: chr7-55269048-G-A.
Other names: c.2979G>A, p.Leu993= (NM_001346897.2, NM_001346899.2); c.3114G>A, p.Leu1038= (NM_001346898.2); c.2955G>A, p.Leu985= (NM_001346900.2); c.2313G>A, p.Leu771= (NM_001346941.2).
Identifiers: ClinVar variation 1017797 (VCV001017797.7), dbSNP rs1787841604, ClinGen allele CA454968778.

ClinVar aggregate classification (germline): Uncertain significance (1 of 4 stars; one submission).

Conditions:
EGFR-related lung cancer (EGFR). Identifiers: MedGen CN130014.

Allele frequency attached by ClinVar (database versions not stated): gnomAD exomes below 0.00001.
gnomAD v4.1: 1 of 1,613,944 alleles (0.000062%); highest among the groups gnomAD compares: East Asian, 0.0022%; no homozygotes.

Submission:

Labcorp Genetics (formerly Invitae), Labcorp
Classification: Uncertain significance for EGFR-related lung cancer. Last evaluated: 2020-01-31. Review status: criteria provided, single submitter. Criteria: Invitae Variant Classification Sherloc (09022015). Collection method: clinical testing. Allele origin: germline.
Comment: In summary, the available evidence is currently insufficient to determine the role of this variant in disease. Therefore, it has been classified as a Variant of Uncertain Significance. This sequence change affects codon 1038 of the EGFR mRNA. It is a 'silent' change, meaning that it does not change the encoded amino acid sequence of the EGFR protein. This variant also falls at the last nucleotide of exon 25 of the EGFR coding sequence, which is part of the consensus splice site for this exon. This variant is not present in population databases (ExAC no frequency). This variant has not been reported in the literature in individuals with EGFR-related conditions. Nucleotide substitutions within the consensus splice site are a relatively common cause of aberrant splicing (PMID: 17576681, 9536098). Algorithms developed to predict the effect of sequence changes on RNA splicing suggest that this variant may disrupt the consensus splice site, but this prediction has not been confirmed by published transcriptional studies.

Literature cited by the submitters: PubMed 17576681; PubMed 9536098.